The following is an entry in ClinVar:

NM_001330078.2(NRXN1):c.2065G>A (p.Gly689Ser)

Gene: NRXN1 (neurexin 1; minus strand). Cytogenetic location: 2p16.3.
Variant type: single nucleotide variant.
Coding change: c.2065G>A on transcript NM_001330078.2 (MANE Select); coding-DNA position 2065, G replaced by A.
Protein change: p.Gly689Ser; replaces glycine 689 with serine.
Molecular consequence: missense variant.
Genome position (GRCh38, 1-based): chr2:50,538,331, C>T on the plus strand (G>A on the coding strand, the complement: NRXN1 is on the minus strand). VCF-style: chr2-50538331-C-T. GRCh37 (hg19) VCF-style: chr2-50765469-C-T.
Other names: c.2185G>A, p.Gly729Ser (NM_001135659.3); c.2041G>A, p.Gly681Ser (NM_001330077.2, NM_001330082.2, NM_001330095.2); c.2026G>A, p.Gly676Ser (NM_001330083.2, NM_001330084.2); c.2065G>A, p.Gly689Ser (NM_001330085.2, NM_001330086.2, NM_004801.6); c.1981G>A, p.Gly661Ser (NM_001330087.2, NM_001330096.2); c.2011G>A, p.Gly671Ser (NM_001330088.2); c.2062G>A, p.Gly688Ser (NM_001330093.2); c.2053G>A, p.Gly685Ser (NM_001330094.2); short protein forms G676S, G661S, G688S, G689S, G671S, G729S, G681S, G685S.
Identifiers: ClinVar variation 2098736 (VCV002098736.4), dbSNP rs2465664823, ClinGen allele CA346770270.

ClinVar aggregate classification (germline): Uncertain significance (1 of 4 stars; one submission).

Conditions:
Pitt-Hopkins-like syndrome 2 (PTHSL2). Identifiers: Orphanet 221150, Orphanet 600663, MedGen C3280479, MONDO:0013690, OMIM 614325.

Submission:

Labcorp Genetics (formerly Invitae), Labcorp
Classification: Uncertain significance for Pitt-Hopkins-like syndrome 2. Last evaluated: 2022-03-18. Review status: criteria provided, single submitter. Criteria: Invitae Variant Classification Sherloc (09022015). Collection method: clinical testing. Allele origin: germline.
Comment: This sequence change replaces glycine, which is neutral and non-polar, with serine, which is neutral and polar, at codon 729 of the NRXN1 protein (p.Gly729Ser). This variant is not present in population databases (gnomAD no frequency). This variant has not been reported in the literature in individuals affected with NRXN1-related conditions. Algorithms developed to predict the effect of missense changes on protein structure and function (SIFT, PolyPhen-2, Align-GVGD) all suggest that this variant is likely to be disruptive. In summary, the available evidence is currently insufficient to determine the role of this variant in disease. Therefore, it has been classified as a Variant of Uncertain Significance.